The following is an entry in ClinVar:

ClinVar aggregate classification (germline): Uncertain significance (1 of 4 stars; one submission).

Conditions:
Birt-Hogg-Dube syndrome. Also called: Birt Hogg Dubé syndrome. Identifiers: Orphanet 122, MedGen C0346010, MONDO:0800444.

Submission:

Labcorp Genetics (formerly Invitae), Labcorp
Classification: Uncertain significance for Birt-Hogg-Dube syndrome. Last evaluated: 2020-05-21. Review status: criteria provided, single submitter. Criteria: Invitae Variant Classification Sherloc (09022015). Collection method: clinical testing. Allele origin: germline.
Comment: This variant has not been reported in the literature in individuals with FLCN-related conditions. This sequence change replaces lysine with threonine at codon 548 of the FLCN protein (p.Lys548Thr). The lysine residue is moderately conserved and there is a moderate physicochemical difference between lysine and threonine. This variant is not present in population databases (ExAC no frequency). Algorithms developed to predict the effect of missense changes on protein structure and function (SIFT, PolyPhen-2, Align-GVGD) all suggest that this variant is likely to be tolerated, but these predictions have not been confirmed by published functional studies and their clinical significance is uncertain. In summary, the available evidence is currently insufficient to determine the role of this variant in disease. Therefore, it has been classified as a Variant of Uncertain Significance.

NM_144997.7(FLCN):c.1643A>C (p.Lys548Thr)

Gene: FLCN (folliculin; minus strand). Cytogenetic location: 17p11.2.
Variant type: single nucleotide variant.
Coding change: c.1643A>C on transcript NM_144997.7 (MANE Select); coding-DNA position 1643, A replaced by C.
Protein change: p.Lys548Thr; replaces lysine 548 with threonine.
Molecular consequence: missense variant.
Genome position (GRCh38, 1-based): chr17:17,213,752, T>G on the plus strand (A>C on the coding strand, the complement: FLCN is on the minus strand). VCF-style: chr17-17213752-T-G. GRCh37 (hg19) VCF-style: chr17-17117066-T-G.
Other names: c.1697A>C, p.Lys566Thr (NM_001353229.2); c.1643A>C, p.Lys548Thr (NM_001353230.2, NM_001353231.2); short protein forms K566T, K548T.
Identifiers: ClinVar variation 1041689 (VCV001041689.5), dbSNP rs2046819323, ClinGen allele CA398529951.